The following is an entry in ClinVar:

NM_006739.4(MCM5):c.2160G>C (p.Glu720Asp)

Gene: MCM5 (minichromosome maintenance complex component 5; plus strand). Cytogenetic location: 22q12.3.
Variant type: single nucleotide variant.
Coding change: c.2160G>C on transcript NM_006739.4 (MANE Select); coding-DNA position 2160, G replaced by C.
Protein change: p.Glu720Asp; replaces glutamic acid 720 with aspartic acid.
Molecular consequence: missense variant.
Genome position (GRCh38, 1-based): chr22:35,424,210, G>C. VCF-style: chr22-35424210-G-C. GRCh37 (hg19) VCF-style: chr22-35820203-G-C.
Other names: short protein forms E720D.
Identifiers: ClinVar variation 2809634 (VCV002809634.3), dbSNP rs954720417, ClinGen allele CA411351196.

ClinVar aggregate classification (germline): Uncertain significance (1 of 4 stars; one submission).

Allele frequency attached by ClinVar (database versions not stated): gnomAD exomes below 0.00001.
gnomAD v4.1: 2 of 1,553,486 alleles (0.00013%); highest among the groups gnomAD compares: Middle Eastern, 0.017%; no homozygotes.

Submission:

Labcorp Genetics (formerly Invitae), Labcorp
Classification: Uncertain significance. Last evaluated: 2024-10-24. Review status: criteria provided, single submitter. Criteria: Invitae Variant Classification Sherloc (09022015). Collection method: clinical testing. Allele origin: germline.
Comment: This sequence change replaces glutamic acid, which is acidic and polar, with aspartic acid, which is acidic and polar, at codon 720 of the MCM5 protein (p.Glu720Asp). This variant is not present in population databases (gnomAD no frequency). This variant has not been reported in the literature in individuals affected with MCM5-related conditions. An algorithm developed to predict the effect of missense changes on protein structure and function (PolyPhen-2) suggests that this variant is likely to be tolerated. In summary, the available evidence is currently insufficient to determine the role of this variant in disease. Therefore, it has been classified as a Variant of Uncertain Significance.